The following is an entry in ClinVar:

ClinVar aggregate classification (germline): Likely benign (1 of 4 stars; one submission).

Allele frequency attached by ClinVar (database versions not stated): gnomAD 0.00001; gnomAD exomes 0.00001; TOPMed 0.00001.
gnomAD v4.1: 6 of 1,549,860 alleles (0.00039%); highest among the groups gnomAD compares: South Asian, 0.0012%; no homozygotes.

Submission:

Laboratory for Molecular Medicine, Mass General Brigham Personalized Medicine
Classification: Likely benign. Last evaluated: 2015-08-24. Review status: criteria provided, single submitter. Criteria: LMM Criteria. Collection method: clinical testing. Allele origin: germline. Observed: 1 variant allele.
Comment: p.Leu40Leu in exon 5 of LRTOMT: This variant is not expected to have clinical si gnificance because it does not alter an amino acid residue and is not located wi thin the splice consensus sequence.

NM_001145308.5(LRTOMT):c.118T>C (p.Leu40=)

Genes: LRTOMT (leucine rich transmembrane and O-methyltransferase domain containing; plus strand), TOMT (transmembrane O-methyltransferase; plus strand). Cytogenetic location: 11q13.4.
Variant type: single nucleotide variant.
Coding change: c.118T>C on transcript NM_001145308.5; coding-DNA position 118, T replaced by C.
Protein change: p.Leu40=; no amino-acid change (leucine 40 retained).
Molecular consequence: synonymous variant. On other transcripts: intron variant (1).
Genome position (GRCh38, 1-based): chr11:72,105,970, T>C. VCF-style: chr11-72105970-T-C. GRCh37 (hg19) VCF-style: chr11-71817016-T-C.
Other names: c.19T>C, p.Leu7= (NM_001393500.2); c.118T>C, p.Leu40= (NM_001145309.4); c.84-86T>C (NM_001145310.4).
Identifiers: ClinVar variation 227533 (VCV000227533.4), dbSNP rs876657501, ClinGen allele CA10576897.